The following is an entry in ClinVar:

ClinVar aggregate classification (germline): Uncertain significance (1 of 4 stars; one submission).

Submission:

GeneDx
Classification: Uncertain significance. Last evaluated: 2023-04-09. Review status: criteria provided, single submitter. Criteria: GeneDx Variant Classification Process June 2021. Collection method: clinical testing. Allele origin: germline. Affected: yes.
Comment: Not observed at significant frequency in large population cohorts (gnomAD); Missense variants in this gene are often considered pathogenic (HGMD); In silico analysis supports that this missense variant has a deleterious effect on protein structure/function; This substitution is predicted to be within the transmembrane segment S1 of the fourth homologous domain.; Has not been previously published as pathogenic or benign to our knowledge

NM_001040142.2(SCN2A):c.4625G>C (p.Cys1542Ser)

Gene: SCN2A (sodium voltage-gated channel alpha subunit 2; plus strand). Cytogenetic location: 2q24.3.
Variant type: single nucleotide variant.
Coding change: c.4625G>C on transcript NM_001040142.2 (MANE Select); coding-DNA position 4625, G replaced by C.
Protein change: p.Cys1542Ser; replaces cysteine 1542 with serine.
Molecular consequence: missense variant.
Genome position (GRCh38, 1-based): chr2:165,386,819, G>C. VCF-style: chr2-165386819-G-C. GRCh37 (hg19) VCF-style: chr2-166243329-G-C.
Other names: c.4625G>C, p.Cys1542Ser (NM_001040143.2, NM_001371246.1, NM_001371247.1 and 1 more transcripts); short protein forms C1542S.
Identifiers: ClinVar variation 2662917 (VCV002662917.1), dbSNP rs1701899337, ClinGen allele CA349036313.